The following is an entry in ClinVar:

NM_182931.3(KMT2E):c.32C>T (p.Thr11Ile)

Gene: KMT2E (lysine methyltransferase 2E (inactive); plus strand). Cytogenetic location: 7q22.3.
Variant type: single nucleotide variant.
Coding change: c.32C>T on transcript NM_182931.3 (MANE Select); coding-DNA position 32, C replaced by T.
Protein change: p.Thr11Ile; replaces threonine 11 with isoleucine.
Molecular consequence: missense variant.
Genome position (GRCh38, 1-based): chr7:105,040,984, C>T. VCF-style: chr7-105040984-C-T. GRCh37 (hg19) VCF-style: chr7-104681431-C-T.
Other names: c.32C>T, p.Thr11Ile (NM_001410908.1, NM_018682.4); short protein forms T11I.
Identifiers: ClinVar variation 2787715 (VCV002787715.3), dbSNP rs1435711015, ClinGen allele CA368781924.

ClinVar aggregate classification (germline): Uncertain significance (1 of 4 stars; one submission).

gnomAD v4.1: 5 of 1,602,228 alleles (0.00031%); highest among the groups gnomAD compares: South Asian, 0.0044%; no homozygotes.

Submission:

Labcorp Genetics (formerly Invitae), Labcorp
Classification: Uncertain significance. Last evaluated: 2023-08-02. Review status: criteria provided, single submitter. Criteria: Invitae Variant Classification Sherloc (09022015). Collection method: clinical testing. Allele origin: germline.
Comment: This variant has not been reported in the literature in individuals affected with KMT2E-related conditions. In summary, the available evidence is currently insufficient to determine the role of this variant in disease. Therefore, it has been classified as a Variant of Uncertain Significance. Experimental studies and prediction algorithms are not available or were not evaluated, and the functional significance of this variant is currently unknown. This variant is present in population databases (no rsID available, gnomAD 0.003%). This sequence change replaces threonine, which is neutral and polar, with isoleucine, which is neutral and non-polar, at codon 11 of the KMT2E protein (p.Thr11Ile).